The following is an entry in ClinVar:

ClinVar aggregate classification (germline): Pathogenic. Review status: reviewed by expert panel (3 of 4 stars). 23 submissions from 23 submitters: Pathogenic (1). 22 of the submissions do not count toward it. Last evaluated 2025-05-19.

Conditions:
RS1-related disorder. Also called: RS1-related condition.
Inborn genetic diseases. Identifiers: MedGen C0950123, MeSH D030342.
Retinal dystrophy. Also called: Inherited retinal dystrophy. Identifiers: Orphanet 71862, MedGen C0854723, MeSH D058499, MONDO:0019118, HP:0000556.
Juvenile retinoschisis (RS1). Also called: X-Linked Juvenile Retinoschisis; X-linked retinoschisis. Identifiers: Orphanet 792, MedGen C3714753, MONDO:0010725, OMIM 312700.

Allele frequency attached by ClinVar (database versions not stated): gnomAD exomes 0.00001 and below 0.00001; ExAC 0.00001.
gnomAD v4.1: 5 of 1,211,002 alleles (0.00041%); highest among the groups gnomAD compares: South Asian, 0.0018%; no homozygotes.

Submissions 1 to 8 of 23:

ClinGen X-linked Inherited Retinal Disease Variant Curation Expert Panel, ClinGen
Classification: Pathogenic for Juvenile retinoschisis. Last evaluated: 2025-05-19. Review status: reviewed by expert panel. Criteria: ClinGen X LinkedIRD ACMG Specifications RS1 V1.0.0. Collection method: curation. Allele origin: germline. Inheritance: X-linked inheritance.
Comment: The NM_000330.4(RS1):c.214G>A variant is a missense variant encoding the substitution of Glutamic acid with Lysine at amino acid 72. This variant is present in gnomAD v.4.1.0 at a frequency of 0.000002508 among hemizygous individuals, with 1 variant alleles / 398646 total hemizygous alleles, which is between the ClinGen X-linked IRD VCEP PM2_Supporting and BS1 thresholds of <0.000002 and >0.00002 and fails to meet these criteria. The computational predictor REVEL gives a score of 0.921, which is within the ClinGen X-linked IRD VCEP range between 0.931 to 0.773 and predicts a damaging effect on RS1 function (PP3_moderate). The computational splicing predictor SpliceAI gives a delta score of 0.00 for all predictive splice changes, which is below the ClinGen X-linked IRD VCEP threshold of >0.2 and does not predict that the variant disrupts RS1 splicing. HEK293 cells exogenously expressing the variant exhibit loss of RS1 secretion into the medium relative to the wild-type control (PMID: 12746437, PS3_Supporting). This variant p.Glu72Lys, of the RS1 gene, is an established residue involved in cross-linking the adjacent RS1 subunit by the ClinGen X-linked IRD VCEP (PMID: 27114531, PM1). The variant has been reported to segregate with retinal dystrophy through at least 3 meioses in the same family (PP1_Strong; PMID: 11246454, 38317323, 19324861). At least one proband harboring this variant exhibits a phenotype including appearance of schisis and reduced visual acuity before age 13 years, which together are specific for X-linked retinoschisis (PMID: 23288992, PP4). This variant has been reported in at least 6 apparently unrelated probands meeting one of the PS4 requirements of a male diagnosed with X-linked retinoschisis (PMIDs: 30025115, 28348004, 19324861, 22245991, 32531858, 29851975, PS4). In summary, this variant is classified as pathogenic for X-linked retinoschisis based on the ClinGen X-linked Inherited Retinal Disease Expert Panel Specifications to the ACMG/AMP Variant Interpretation Guidelines for RS1 Version 1.0.0: PP3_moderate, PP1_strong, PP4, PS4, PS3_supporting, and PM1 (date of approval 01/24/2025).

PreventionGenetics, part of Exact Sciences
Classification: Pathogenic for RS1-related condition. Last evaluated: 2026-02-14. Review status: criteria provided, single submitter. Criteria: ACMG Guidelines, 2015. Collection method: clinical testing. Allele origin: germline. Not counted in ClinVar's aggregate classification.
Comment: The RS1 c.214G>A variant is predicted to result in the amino acid substitution p.Glu72Lys. This variant has been reported in multiple individuals with X-linked retinoschisis (XLRS, Wang et al. 2016. PubMed ID: 27788217; Kondo et al. 2019. PubMed ID: 30652005; Hu et al. 2017. PubMed ID: 28272453; Bender et al. 2022. PubMed ID: 35456481). Functional studies have demonstrated that this variant reduces secretion of RS1 protein (Vijayasarathy et al. 2010. PubMed ID: 20809529). An alternate amino acid change at this position (c.216G>T; p.Glu72Asp) is also considered pathogenic for RS1-related disease (Hu et al. 2017. PubMed ID: 28272453; Bender et al. 2022. PubMed ID: 35456481). This variant is present in 0.0062% of alleles in individuals of European (Finnish) descent in gnomAD. This variant is interpreted as pathogenic.

Labcorp Genetics (formerly Invitae), Labcorp
Classification: Pathogenic. Last evaluated: 2026-01-26. Review status: criteria provided, single submitter. Criteria: Invitae Variant Classification Sherloc (09022015). Collection method: clinical testing. Allele origin: germline. Not counted in ClinVar's aggregate classification.
Comment: This sequence change replaces glutamic acid, which is acidic and polar, with lysine, which is basic and polar, at codon 72 of the RS1 protein (p.Glu72Lys). This variant is present in population databases (rs104894928, gnomAD 0.01%). This missense change has been observed in individuals with X-linked retinoschisis (PMID: 9618178, 28272453, 30652005). It has also been observed to segregate with disease in related individuals. ClinVar contains an entry for this variant (Variation ID: 9888). Invitae Evidence Modeling of protein sequence and biophysical properties (such as structural, functional, and spatial information, amino acid conservation, physicochemical variation, residue mobility, and thermodynamic stability) indicates that this missense variant is expected to disrupt RS1 protein function with a positive predictive value of 95%. Experimental studies have shown that this missense change affects RS1 function (PMID: 20809529). This variant disrupts the p.Glu72 amino acid residue in RS1. Other variant(s) that disrupt this residue have been determined to be pathogenic (PMID: 9618178, 28272453). This suggests that this residue is clinically significant, and that variants that disrupt this residue are likely to be disease-causing. For these reasons, this variant has been classified as Pathogenic.

Dasa
Classification: Pathogenic. Last evaluated: 2026-01-07. Review status: criteria provided, single submitter. Criteria: DASA Assertion Criteria. Collection method: clinical testing. Allele origin: germline. Not counted in ClinVar's aggregate classification.
Comment: NM_000330.4(RS1):c.214G>A (p.Glu72Lys) is a missense variant that results in the substitution of glutamic acid with lysine. The affected residue or protein region has prior evidence supporting clinical relevance. Segregation evidence has been reported in affected families. Functional evidence supports a deleterious effect on the gene or gene product (PMID: 27114531; PMID: 12746437; PMID: 11246454; PMID: 38317323; PMID: 19324861). This variant has been recurrently observed in individuals with related phenotype (PMID: 27114531; PMID: 12746437; PMID: 11246454; PMID: 38317323; PMID: 19324861). Multiple computational predictions support a deleterious effect on the gene or gene product. The variant is present at low frequency in population datasets. Based on the available data, this variant is classified as pathogenic.

Natera, Inc.
Classification: Pathogenic for X-linked retinoschisis. Last evaluated: 2025-08-22. Review status: criteria provided, single submitter. Criteria: Natera Variant Classification Schema (03/2026). Collection method: clinical testing. Allele origin: germline. Not counted in ClinVar's aggregate classification.
Comment: The c.214G>A variant in RS1 is a missense variant predicted to cause substitution of glutamic acid to lysine at amino acid 72. This variant is rare in the general population with a frequency below the threshold expected for the associated phenotype(s). This variant has been observed in at least one unaffected individual, with a zygosity that is consistent with the inheritance pattern for the associated condition (in gnomAD and/or literature). This variant has been observed in affected individual(s) with monoallelic occurrence (heterozygous/hemizygous) (PMID: 38816767, 38317323, 38054929, 36729443, 35984651, 23288992, 19324861, 19093009, 12055472, 11225572, 10922205). Additionally, this variant has been observed to segregate in affected family members (PMID: 19324861, 19093009, 10922205). A different variant at the same position has been determined to be Pathogenic or Likely Pathogenic. Computational prediction algorithms indicate this variant is likely to affect gene or protein function. Given the available evidence, this variant is classified as Pathogenic.

North West Genomic Laboratory Hub, Manchester University NHS Foundation Trust
Classification: Pathogenic for Juvenile retinoschisis. Last evaluated: 2025-08-19. Review status: criteria provided, single submitter. Criteria: ACGS Best Practice Guidelines for Variant Classification in Rare Disease 2024. Collection method: clinical testing. Allele origin: germline. Affected: yes. Not counted in ClinVar's aggregate classification.
Comment: PP1_Str PS4_Str PS3_Mod PP3_Supp

SingHealth Duke-NUS Institute of Precision Medicine
Classification: Pathogenic for Juvenile retinoschisis. Last evaluated: 2025-02-05. Review status: criteria provided, single submitter. Criteria: PRISM ACMG Classification Criteria. Collection method: clinical testing. Allele origin: germline. Affected: yes. Not counted in ClinVar's aggregate classification.
Comment: xperimental studies have shown that this missense change affects RS1 function (PS3, PMID: 20809529;20061330). REVEL score is 0.921 (PP3_mod). This variant is located in a mutational hotspot where >50% of variants are pathogenic (PM1) Other changes at this amino acid residue have been classified as pathogenic (PM5, p.Glu72Gln; p.Glu72Val; p.Glu72Lys; p.Glu72Gly). RS1 mutations are specific to retinoschisis phenotypes (PP4)

CeGaT Center for Human Genetics Tuebingen
Classification: Pathogenic. Last evaluated: 2024-12-01. Review status: criteria provided, single submitter. Criteria: CeGaT Center For Human Genetics Tuebingen Variant Classification Criteria Version 2. Collection method: clinical testing. Allele origin: germline. Affected: yes. Observed: 7 variant alleles. Not counted in ClinVar's aggregate classification.
Comment: RS1: PS4, PM1, PM2, PM5, PP3, PP4

NM_000330.4(RS1):c.214G>A (p.Glu72Lys)

Genes: CDKL5 (cyclin dependent kinase like 5; plus strand), RS1 (retinoschisin 1; minus strand). Cytogenetic location: Xp22.13.
Variant type: single nucleotide variant.
Coding change: c.214G>A on transcript NM_000330.4 (MANE Select); coding-DNA position 214, G replaced by A.
Protein change: p.Glu72Lys; replaces glutamic acid 72 with lysine.
Molecular consequence: missense variant. On other transcripts: intron variant (2).
Genome position (GRCh38, 1-based): chrX:18,647,303, C>T on the plus strand (G>A on the coding strand, the complement: RS1 is on the minus strand). VCF-style: chrX-18647303-C-T. GRCh37 (hg19) VCF-style: chrX-18665423-C-T.
Other names: NM_000330.4(RS1):c.214G>A; c.2797+1213C>T (NM_003159.3, NM_001037343.2); short protein forms E72K.
Identifiers: ClinVar variation 9888 (VCV000009888.67), dbSNP rs104894928, ClinGen allele CA226621.
Genomic context (GRCh38, chrX:18,647,303, plus strand): 5'-AGCCCACATACTGCTCCGGGTTAGAGCAGGTGATCTGGTCCGGTGTGACCTCCCCTGACT[C>T]GAAACCCAGAGGCTTGTGATATGGGCATTCTGGGAAAGGAAAAAGAATTCACATTCACAC-3'
Protein context (NP_000321.1, residues 62-82): ECPYHKPLGF[Glu72Lys]SGEVTPDQIT